The following is an entry in ClinVar:

NM_000069.3(CACNA1S):c.2275C>T (p.Arg759Cys)

Gene: CACNA1S (calcium voltage-gated channel subunit alpha1 S; minus strand). Cytogenetic location: 1q32.1.
Variant type: single nucleotide variant.
Coding change: c.2275C>T on transcript NM_000069.3 (MANE Select); coding-DNA position 2275, C replaced by T.
Protein change: p.Arg759Cys; replaces arginine 759 with cysteine.
Molecular consequence: missense variant.
Genome position (GRCh38, 1-based): chr1:201,070,357, G>A on the plus strand (C>T on the coding strand, the complement: CACNA1S is on the minus strand). VCF-style: chr1-201070357-G-A. GRCh37 (hg19) VCF-style: chr1-201039485-G-A.
Other names: short protein forms R759C.
Identifiers: ClinVar variation 934119 (VCV000934119.5), dbSNP rs777247285, ClinGen allele CA078915.

ClinVar aggregate classification (germline): Conflicting classifications of pathogenicity. Review status: criteria provided, conflicting classifications (1 of 4 stars). 3 submissions from 3 submitters: Uncertain significance (2); Likely benign (1). Last evaluated 2025-06-10.

Conditions:
Malignant hyperthermia, susceptibility to, 5 (MHS5). Also called: CACNA1S-Related Malignant Hyperthermia Susceptibility. Identifiers: Orphanet 423, MedGen C1866077, MONDO:0011163, OMIM 601887.
Hypokalemic periodic paralysis, type 1. Also called: HypoPP; Hypokalemic Periodic Paralysis Type 1 (AD). Identifiers: Orphanet 681, MedGen C3714580, MONDO:0042979, OMIM 170400.
Congenital myopathy 18. Also called: DIHYDROPYRIDINE RECEPTOR CONGENITAL MYOPATHY; DHPR CONGENITAL MYOPATHY; Myopathy, congenital, due to dihydropyridine receptor defect. Identifiers: MedGen C5830283, MONDO:0859514, OMIM 620246.
Thyrotoxic periodic paralysis, susceptibility to, 1 (TTPP1). Identifiers: Orphanet 79102, MedGen C2749982, MONDO:0008570, OMIM 188580.

Allele frequency attached by ClinVar (database versions not stated): ExAC 0.00001; gnomAD 0.00001 and 0.00002; gnomAD exomes 0.00001 and 0.00002; TOPMed 0.00003.
gnomAD v4.1: 25 of 1,613,956 alleles (0.0015%); highest among the groups gnomAD compares: Admixed American, 0.005%; no homozygotes.

Submissions (3):

Color Diagnostics, LLC DBA Color Health
Classification: Uncertain significance for Malignant hyperthermia, susceptibility to, 5. Last evaluated: 2025-06-10. Review status: criteria provided, single submitter. Criteria: ACMG Guidelines, 2015. Collection method: clinical testing. Allele origin: germline.
Comment: This missense variant replaces arginine with cysteine at codon 759 of the CACNA1S protein. Computational prediction suggests that this variant may have deleterious impact on protein structure and function. To our knowledge, functional studies have not been reported for this variant. This variant was identified in an individual with a history of a malignant hyperthermia episode (PMID: 25735680). This variant has been identified in 4/251390 chromosomes in the general population by the Genome Aggregation Database (gnomAD). The available evidence is insufficient to determine the role of this variant in disease conclusively. Therefore, this variant is classified as a Variant of Uncertain Significance.

Labcorp Genetics (formerly Invitae), Labcorp
Classification: Likely benign for Hypokalemic periodic paralysis, type 1; Malignant hyperthermia, susceptibility to, 5. Last evaluated: 2024-12-02. Review status: criteria provided, single submitter. Criteria: Invitae Variant Classification Sherloc (09022015). Collection method: clinical testing. Allele origin: germline.

Fulgent Genetics
Classification: Uncertain significance for Hypokalemic periodic paralysis, type 1; Thyrotoxic periodic paralysis, susceptibility to, 1; Malignant hyperthermia, susceptibility to, 5; Congenital myopathy 18. Last evaluated: 2024-02-19. Review status: criteria provided, single submitter. Criteria: ACMG Guidelines, 2015. Collection method: clinical testing. Allele origin: germline.

Literature cited by the submitters: PubMed 25735680 (cited by Color Diagnostics, LLC DBA Color Health).